The following is an entry in ClinVar:

NM_002519.3(NPAT):c.1613C>A (p.Thr538Asn)

Gene: NPAT (nuclear protein, coactivator of histone transcription; minus strand). Cytogenetic location: 11q22.3.
Variant type: single nucleotide variant.
Coding change: c.1613C>A on transcript NM_002519.3 (MANE Select); coding-DNA position 1613, C replaced by A.
Protein change: p.Thr538Asn; replaces threonine 538 with asparagine.
Molecular consequence: missense variant.
Genome position (GRCh38, 1-based): chr11:108,173,371, G>T on the plus strand (C>A on the coding strand, the complement: NPAT is on the minus strand). VCF-style: chr11-108173371-G-T. GRCh37 (hg19) VCF-style: chr11-108044098-G-T.
Other names: c.1613C>A, p.Thr538Asn (NM_001321307.1); short protein forms T538N.
Identifiers: ClinVar variation 2453753 (VCV002453753.2), dbSNP rs2496720650, ClinGen allele CA382514756.

ClinVar aggregate classification (germline): Uncertain significance (1 of 4 stars; one submission).

Allele frequency attached by ClinVar (database versions not stated): gnomAD exomes below 0.00001.
gnomAD v4.1: 4 of 1,613,568 alleles (0.00025%); highest among the groups gnomAD compares: Non-Finnish European, 0.00017%; no homozygotes.

Submission:

Ambry Genetics
Classification: Uncertain significance. Last evaluated: 2022-12-13. Review status: criteria provided, single submitter. Criteria: Ambry Variant Classification Scheme 2023. Collection method: clinical testing. Allele origin: germline.
Comment: The p.T538N variant (also known as c.1613C>A), located in coding exon 13 of the NPAT gene, results from a C to A substitution at nucleotide position 1613. The threonine at codon 538 is replaced by asparagine, an amino acid with similar properties. This amino acid position is conserved. In addition, this alteration is predicted to be tolerated by in silico analysis. Since supporting evidence is limited at this time, the clinical significance of this alteration remains unclear.